The following is an entry in ClinVar:

NM_000074.3(CD40LG):c.514T>G (p.Tyr172Asp)

Gene: CD40LG (CD40 ligand; plus strand). Cytogenetic location: Xq26.3.
Variant type: single nucleotide variant.
Coding change: c.514T>G on transcript NM_000074.3 (MANE Select); coding-DNA position 514, T replaced by G.
Protein change: p.Tyr172Asp; replaces tyrosine 172 with aspartic acid.
Molecular consequence: missense variant.
Genome position (GRCh38, 1-based): chrX:136,659,143, T>G. VCF-style: chrX-136659143-T-G. GRCh37 (hg19) VCF-style: chrX-135741302-T-G.
Other names: short protein forms Y172D.
Identifiers: ClinVar variation 2768403 (VCV002768403.3), dbSNP rs2076127133, ClinGen allele CA414755782.

ClinVar aggregate classification (germline): Uncertain significance (1 of 4 stars; one submission).

Conditions:
Hyper-IgM syndrome type 1. Also called: CD40 Ligand Deficiency; X-linked hyper-IgM syndrome; Immunodeficiency, X-linked, with hyper-IgM; Hyper-IgM Immunodeficiency Syndrome, Type 1. Identifiers: Orphanet 101088, MedGen C0398689, MONDO:0010626, OMIM 308230.

Submission:

Labcorp Genetics (formerly Invitae), Labcorp
Classification: Uncertain significance for Hyper-IgM syndrome type 1. Last evaluated: 2023-10-27. Review status: criteria provided, single submitter. Criteria: Invitae Variant Classification Sherloc (09022015). Collection method: clinical testing. Allele origin: germline.
Comment: This sequence change replaces tyrosine, which is neutral and polar, with aspartic acid, which is acidic and polar, at codon 172 of the CD40LG protein (p.Tyr172Asp). This variant is not present in population databases (gnomAD no frequency). This variant has not been reported in the literature in individuals affected with CD40LG-related conditions. Advanced modeling of protein sequence and biophysical properties (such as structural, functional, and spatial information, amino acid conservation, physicochemical variation, residue mobility, and thermodynamic stability) performed at Invitae indicates that this missense variant is expected to disrupt CD40LG protein function with a positive predictive value of 80%. This variant disrupts the p.Tyr172 amino acid residue in CD40LG. Other variant(s) that disrupt this residue have been determined to be pathogenic (PMID: 22928961, 33060515; Invitae). This suggests that this residue is clinically significant, and that variants that disrupt this residue are likely to be disease-causing. In summary, the available evidence is currently insufficient to determine the role of this variant in disease. Therefore, it has been classified as a Variant of Uncertain Significance.

Literature cited by the submitters: PubMed 22928961; PubMed 33060515.